The following is an entry in ClinVar:

NM_152618.3(BBS12):c.1115_1116del (p.Gly371_Phe372insTer)

Gene: BBS12 (Bardet-Biedl syndrome 12; plus strand). Cytogenetic location: 4q27.
Variant type: Deletion.
Coding change: c.1115_1116del on transcript NM_152618.3 (MANE Select); coding-DNA positions 1115 to 1116, 2 bases deleted (TT; older notation c.1115_1116delTT).
Protein change: p.Gly371_Phe372insTer.
Molecular consequence: nonsense.
Genome position (GRCh38, 1-based): chr4:122,743,007-122,743,008, TT deleted; deleting any 2 consecutive bases within chr4:122,743,006-122,743,008 gives the same sequence; the c. name uses the placement nearest the transcript's 3' end. VCF-style (leftmost placement, unchanged base first): chr4-122743005-ATT-A. GRCh37 (hg19) VCF-style: chr4-123664160-ATT-A.
Other names: c.1115_1116delTT (NM_152618.2, NM_152618.3); c.1115_1116del, p.Gly371_Phe372insTer (NM_001178007.2).
Identifiers: ClinVar variation 1151 (VCV000001151.76), dbSNP rs587777803, ClinGen allele CA251712.

ClinVar aggregate classification (germline): Pathogenic/Likely pathogenic. Review status: criteria provided, multiple submitters, no conflicts (2 of 4 stars). 14 submissions from 14 submitters: Pathogenic (11); Likely pathogenic (1). 2 of the submissions do not count toward it. Last evaluated 2026-03-03.

Conditions:
BBS12-related disorder. Also called: BBS12-related condition.
Retinal dystrophy. Also called: Inherited retinal dystrophy. Identifiers: Orphanet 71862, MedGen C0854723, MeSH D058499, MONDO:0019118, HP:0000556.
Bardet-Biedl syndrome (BBS). Identifiers: Orphanet 110, MedGen C0752166, MONDO:0015229.
Bardet-Biedl syndrome 12 (BBS12). Identifiers: Orphanet 110, MedGen C1859570, MONDO:0014440, OMIM 615989.

Submissions (14):

PreventionGenetics, part of Exact Sciences
Classification: Pathogenic for BBS12-related condition. Last evaluated: 2026-03-03. Review status: criteria provided, single submitter. Criteria: ACMG Guidelines, 2015. Collection method: clinical testing. Allele origin: germline.
Comment: The BBS12 c.1115_1116delTT variant is predicted to result in premature protein termination (p.Phe372*). This variant, also described as c.1114_1115del (p.Phe372fs*373), has been reported in the homozygous or compound heterozygous states in individuals with Bardet-Biedl syndrome or retinitis pigmentosa (for example, see Stoetzel et al. 2007. PubMed ID: 17160889; Hariri et al. 2018. PubMed ID: 31047384). This variant is reported in 0.017% of alleles in individuals of European (Non-Finnish) descent in gnomAD. Nonsense variants in BBS12 are expected to be pathogenic. This variant is interpreted as pathogenic.

Labcorp Genetics (formerly Invitae), Labcorp
Classification: Pathogenic for Bardet-Biedl syndrome. Last evaluated: 2026-01-19. Review status: criteria provided, single submitter. Criteria: Invitae Variant Classification Sherloc (09022015). Collection method: clinical testing. Allele origin: germline.
Comment: This sequence change creates a premature translational stop signal (p.Phe372*) in the BBS12 gene. While this is not anticipated to result in nonsense mediated decay, it is expected to disrupt the last 339 amino acid(s) of the BBS12 protein. This variant is present in population databases (rs753781824, gnomAD 0.02%). This premature translational stop signal has been observed in individuals with Bardet-Biedl syndrome (PMID: 17160889, 20827784, 24611592). This variant is also known as 1114delTT. ClinVar contains an entry for this variant (Variation ID: 1151). For these reasons, this variant has been classified as Pathogenic.

Natera, Inc.
Classification: Pathogenic for Bardet-Biedl syndrome type 12. Last evaluated: 2026-01-09. Review status: criteria provided, single submitter. Criteria: Natera Variant Classification Schema (03/2026). Collection method: clinical testing. Allele origin: germline.
Comment: The c.1115_1116delTT variant in BBS12 is a frameshift variant predicted to shift the reading frame and introduce a stop codon. This variant is expected to result in nonsense mediated decay, truncation, or a dysfunctional protein product. This variant is rare in the general population with a frequency below the threshold expected for the associated phenotype(s). This variant has been observed in one or more individuals affected with the associated recessive disease, as either homozygous or compound heterozygous with a second variant (PMID: 30614526). Given the available evidence, this variant is classified as Pathogenic.

Laboratorio de Genetica e Diagnostico Molecular, Hospital Israelita Albert Einstein
Classification: Pathogenic for Bardet-Biedl syndrome 12. Last evaluated: 2025-07-04. Review status: criteria provided, single submitter. Criteria: ACMG Guidelines, 2015. Collection method: clinical testing. Allele origin: germline. Affected: yes.
Comment: ACMG classification criteria: PVS1 strong, PM2 supporting, PM3 very strong

Women's Health and Genetics/Laboratory Corporation of America, LabCorp
Classification: Pathogenic for Bardet-Biedl syndrome. Last evaluated: 2025-02-19. Review status: criteria provided, single submitter. Criteria: LabCorp Variant Classification Summary - May 2015. Collection method: clinical testing. Allele origin: germline.
Comment: Variant summary: BBS12 c.1115_1116delTT (p.Phe372X) results in a premature termination codon, predicted to cause a truncation of the encoded protein, however, nonsense mediated decay is not expected to occur. The variant allele was found at a frequency of 8.4e-05 in 251276 control chromosomes. This frequency is not significantly higher than estimated for a pathogenic variant in BBS12 causing Bardet-Biedl Syndrome (8.4e-05 vs 0.00076), allowing no conclusion about variant significance. c.1115_1116delTT has been reported in the literature in multiple homozygous and compound heterozygous individuals affected with Bardet-Biedl Syndrome (e.g. Stoetzel_2007, Alvarez-Satta_2014). These data indicate that the variant is very likely to be associated with disease. To our knowledge, no experimental evidence demonstrating an impact on protein function has been reported. The following publications have been ascertained in the context of this evaluation (PMID: 24611592, 17160889). ClinVar contains an entry for this variant (Variation ID: 1151). Based on the evidence outlined above, the variant was classified as pathogenic.

Blueprint Genetics
Classification: Pathogenic for BBS12-related disorders. Last evaluated: 2024-05-10. Review status: criteria provided, single submitter. Criteria: ACMG Guidelines, 2015. Collection method: clinical testing. Allele origin: germline. Affected: yes. Observed: 5 variant alleles.

Fulgent Genetics
Classification: Pathogenic for Bardet-Biedl syndrome 12. Last evaluated: 2024-05-04. Review status: criteria provided, single submitter. Criteria: ACMG Guidelines, 2015. Collection method: clinical testing. Allele origin: germline.

GeneDx
Classification: Pathogenic. Last evaluated: 2023-12-19. Review status: criteria provided, single submitter. Criteria: GeneDx Variant Classification Process June 2021. Collection method: clinical testing. Allele origin: germline. Affected: yes.
Comment: Nonsense variant predicted to result in protein truncation, as the last 339 amino acids are lost, and other loss-of-function variants have been reported downstream in HGMD; This variant is associated with the following publications: (PMID: 24611592, 32531858, 17160889, 20142850, 20876674, 21344540, 28157192, 30614526, 31047384, 31589614, 34426522, 35886001, 35835773, 31964843, 35368817, 20827784)

Revvity Omics, Revvity
Classification: Pathogenic for Bardet-Biedl syndrome 12. Last evaluated: 2021-02-24. Review status: criteria provided, single submitter. Criteria: ACMG Guidelines, 2015. Collection method: clinical testing. Allele origin: germline.

Institute of Human Genetics, Univ. Regensburg, Univ. Regensburg
Classification: Pathogenic for Retinal dystrophy. Last evaluated: 2019-01-01. Review status: criteria provided, single submitter. Criteria: ACMG Guidelines, 2015. Collection method: clinical testing. Allele origin: germline. Affected: yes.

CeGaT Center for Human Genetics Tuebingen
Classification: Likely pathogenic. Last evaluated: 2017-03-01. Review status: criteria provided, single submitter. Criteria: CeGaT Center For Human Genetics Tuebingen Variant Classification Criteria Version 2. Collection method: clinical testing. Allele origin: germline. Affected: yes. Observed: 1 variant allele.

Center for Pediatric Genomic Medicine, Children's Mercy Hospital and Clinics
Classification: Pathogenic. Last evaluated: 2017-01-04. Review status: criteria provided, single submitter. Criteria: ACMG Guidelines, 2015. Collection method: clinical testing. Allele origin: germline.

Laboratory of Medical Genetics (UMR_S 1112), INSERM/Strasbourg University
Classification: Pathogenic for Bardet-Biedl syndrome. Last evaluated: 2018-09-15. Review status: no assertion criteria provided. Collection method: provider interpretation. Allele origin: germline. Affected: yes. Study: French fetal BBS cohort. Not counted in ClinVar's aggregate classification.

OMIM
Classification: Pathogenic for BARDET-BIEDL SYNDROME 12. Last evaluated: 2007-01-01. Review status: no assertion criteria provided. Collection method: literature only. Allele origin: germline. Not counted in ClinVar's aggregate classification.

Literature cited by the submitters: PubMed 17160889 (cited by 4 submitters); PubMed 20827784 (cited by Labcorp Genetics (formerly Invitae), Labcorp); PubMed 24611592 (cited by Labcorp Genetics (formerly Invitae), Labcorp and Women's Health and Genetics/Laboratory Corporation of America, LabCorp); PubMed 30614526 (cited by Natera, Inc. and Laboratory of Medical Genetics (UMR_S 1112), INSERM/Strasbourg University); PubMed 28157192 (cited by Institute of Human Genetics, Univ. Regensburg, Univ. Regensburg); PubMed 31047384 (cited by Institute of Human Genetics, Univ. Regensburg, Univ. Regensburg); PubMed 31589614 (cited by Institute of Human Genetics, Univ. Regensburg, Univ. Regensburg); PubMed 31964843 (cited by Institute of Human Genetics, Univ. Regensburg, Univ. Regensburg); PubMed 32531858 (cited by Institute of Human Genetics, Univ. Regensburg, Univ. Regensburg); PubMed 34426522 (cited by Institute of Human Genetics, Univ. Regensburg, Univ. Regensburg); PubMed 35886001 (cited by Institute of Human Genetics, Univ. Regensburg, Univ. Regensburg); PubMed 35835773 (cited by Institute of Human Genetics, Univ. Regensburg, Univ. Regensburg).